The following is an entry in ClinVar:

ClinVar aggregate classification (germline): Uncertain significance. Review status: criteria provided, multiple submitters, no conflicts (2 of 4 stars). 3 submissions from 3 submitters: Uncertain significance (3). Last evaluated 2023-08-10.

Conditions:
Inborn genetic diseases. Identifiers: MedGen C0950123, MeSH D030342.

Allele frequency attached by ClinVar (database versions not stated): gnomAD 0.00001; ExAC 0.00002; gnomAD exomes 0.00002 and 0.00005; TOPMed 0.00003.
gnomAD v4.1: 82 of 1,612,672 alleles (0.0051%); highest among the groups gnomAD compares: Non-Finnish European, 0.0066%; no homozygotes.

Submissions (3):

Ambry Genetics
Classification: Uncertain significance for Inborn genetic diseases. Last evaluated: 2023-08-10. Review status: criteria provided, single submitter. Criteria: Ambry Variant Classification Scheme 2023. Collection method: clinical testing. Allele origin: germline.

Labcorp Genetics (formerly Invitae), Labcorp
Classification: Uncertain significance. Last evaluated: 2023-07-10. Review status: criteria provided, single submitter. Criteria: Invitae Variant Classification Sherloc (09022015). Collection method: clinical testing. Allele origin: germline.
Comment: This variant is present in population databases (rs764206728, gnomAD 0.004%). In summary, the available evidence is currently insufficient to determine the role of this variant in disease. Therefore, it has been classified as a Variant of Uncertain Significance. Advanced modeling of protein sequence and biophysical properties (such as structural, functional, and spatial information, amino acid conservation, physicochemical variation, residue mobility, and thermodynamic stability) performed at Invitae indicates that this missense variant is not expected to disrupt ATP5A1 protein function. ClinVar contains an entry for this variant (Variation ID: 593225). This variant has not been reported in the literature in individuals affected with ATP5A1-related conditions. This sequence change replaces proline, which is neutral and non-polar, with leucine, which is neutral and non-polar, at codon 501 of the ATP5A1 protein (p.Pro501Leu).

Eurofins Ntd Llc (ga)
Classification: Uncertain significance. Last evaluated: 2017-08-01. Review status: criteria provided, single submitter. Criteria: EGL Classification Definitions 2015. Collection method: clinical testing. Allele origin: germline. Observed: 1 variant allele, 1 heterozygote.

NM_004046.6(ATP5F1A):c.1502C>T (p.Pro501Leu)

Gene: ATP5F1A (ATP synthase F1 subunit alpha; minus strand). Cytogenetic location: 18q21.1.
Variant type: single nucleotide variant.
Coding change: c.1502C>T on transcript NM_004046.6 (MANE Select); coding-DNA position 1502, C replaced by T.
Protein change: p.Pro501Leu; replaces proline 501 with leucine.
Molecular consequence: missense variant.
Genome position (GRCh38, 1-based): chr18:46,084,582, G>A on the plus strand (C>T on the coding strand, the complement: ATP5F1A is on the minus strand). VCF-style: chr18-46084582-G-A. GRCh37 (hg19) VCF-style: chr18-43664548-G-A.
Other names: c.1502C>T (NM_001001937.1); c.1352C>T, p.Pro451Leu (NM_001001935.3, NM_001257335.2); c.1502C>T, p.Pro501Leu (NM_001001937.2); c.1436C>T, p.Pro479Leu (NM_001257334.2); short protein forms P501L, P451L, P479L.
Identifiers: ClinVar variation 593225 (VCV000593225.11), dbSNP rs764206728, ClinGen allele CA8950543.
Genomic context (GRCh38, chr18:46,084,582, plus strand): 5'-GCTTGGTGCTGGCTGACGACATGAGACAAGAAAGCATTCTCAAACTTTGTAATCTTGCTG[G>A]GCTCCAGTTTATCAAGATATCCCCTTACACCCGCATAGATAACAGCCACTTGTTCTTCAA-3'
Protein context (NP_004037.1, residues 491-511): GVRGYLDKLE[Pro501Leu]SKITKFENAF